The following is an entry in ClinVar:

NM_024312.5(GNPTAB):c.137G>A (p.Arg46Gln)

Gene: GNPTAB (N-acetylglucosamine-1-phosphate transferase subunits alpha and beta; minus strand). Cytogenetic location: 12q23.2.
Variant type: single nucleotide variant.
Coding change: c.137G>A on transcript NM_024312.5 (MANE Select); coding-DNA position 137, G replaced by A.
Protein change: p.Arg46Gln; replaces arginine 46 with glutamine.
Molecular consequence: missense variant.
Genome position (GRCh38, 1-based): chr12:101,796,743, C>T on the plus strand (G>A on the coding strand, the complement: GNPTAB is on the minus strand). VCF-style: chr12-101796743-C-T. GRCh37 (hg19) VCF-style: chr12-102190521-C-T.
Other names: short protein forms R46Q.
Identifiers: ClinVar variation 558800 (VCV000558800.50), dbSNP rs117566084, ClinGen allele CA6746986.

ClinVar aggregate classification (germline): Benign/Likely benign. Review status: criteria provided, multiple submitters, no conflicts (2 of 4 stars). 11 submissions from 10 submitters: Benign (2); Likely benign (5). 4 of the submissions do not count toward it. Last evaluated 2026-09-01.

Conditions:
Mucolipidosis type II. Also called: ML II ALPHA/BETA; Mucolipidosis II Alpha/Beta; Mucolipidosis 2; ML 2; Inclusion cell disease; Leroy Disease. Identifiers: Orphanet 576, MedGen C2673377, MONDO:0009650, OMIM 252500.
Pseudo-Hurler polydystrophy. Also called: ML IIIA; ML III; ML III ALPHA/BETA; Mucolipidosis III Alpha/Beta; MUCOLIPIDOSIS IIIA; Type III Mucolipidosis. Identifiers: Orphanet 423461, Orphanet 577, MedGen C0033788, MONDO:0018931, OMIM 252600.

Allele frequency attached by ClinVar (database versions not stated): gnomAD 0.00485 and 0.00508; TOPMed 0.00489; ESP Exome Variant Server 0.00630; gnomAD exomes 0.00748 and 0.00401; 1000 Genomes Project 0.00260; 1000 Genomes Project 30x 0.00281; ExAC 0.00376.
gnomAD v4.1: 11,490 of 1,611,994 alleles (0.71%); highest among the groups gnomAD compares: Non-Finnish European, 0.93%; 60 homozygotes.

Submissions (11):

CeGaT Center for Human Genetics Tuebingen
Classification: Likely benign. Last evaluated: 2026-09-01. Review status: criteria provided, single submitter. Criteria: CeGaT Center For Human Genetics Tuebingen Variant Classification Criteria Version 2. Collection method: clinical testing. Allele origin: germline. Affected: yes. Observed: 10 variant alleles.
Comment: GNPTAB: BS2

Labcorp Genetics (formerly Invitae), Labcorp
Classification: Benign for Pseudo-Hurler polydystrophy; Mucolipidosis type II. Last evaluated: 2026-02-04. Review status: criteria provided, single submitter. Criteria: Invitae Variant Classification Sherloc (09022015). Collection method: clinical testing. Allele origin: germline.

Women's Health and Genetics/Laboratory Corporation of America, LabCorp
Classification: Benign. Last evaluated: 2022-02-21. Review status: criteria provided, single submitter. Criteria: LabCorp Variant Classification Summary - May 2015. Collection method: clinical testing. Allele origin: germline.
Comment: Variant summary: GNPTAB c.137G>A (p.Arg46Gln) results in a conservative amino acid change in the encoded protein sequence. Four of five in-silico tools predict a benign effect of the variant on protein function. The variant allele was found at a frequency of 0.004 in 251004 control chromosomes in the gnomAD database, including 5 homozygotes. The observed variant frequency is approximately 2 fold of the estimated maximal expected allele frequency for a pathogenic variant in GNPTAB causing Mucolipidosis phenotype (0.0022), strongly suggesting that the variant is benign. Five clinical diagnostic laboratories have submitted clinical-significance assessments for this variant to ClinVar after 2014 without evidence for independent evaluation (benign/likely benign n=4, VUS n=1). Based on the evidence outlined above, the variant was classified as benign.

GeneDx
Classification: Likely benign. Last evaluated: 2019-03-25. Review status: criteria provided, single submitter. Criteria: GeneDx Variant Classification Process June 2021. Collection method: clinical testing. Allele origin: germline. Affected: yes.
Comment: This variant is associated with the following publications: (PMID: 24807205, 18190596)

Illumina Laboratory Services, Illumina
Classification: Likely benign for Pseudo-Hurler polydystrophy. Last evaluated: 2017-04-27. Review status: criteria provided, single submitter. Criteria: ICSL Variant Classification Criteria 13 December 2019. Collection method: clinical testing. Allele origin: germline.
Comment: This variant was observed as part of a predisposition screen in an ostensibly healthy population. A literature search was performed for the gene, cDNA change, and amino acid change (where applicable). No publications were found based on this search. Allele frequency data from public databases allowed determination this variant is unlikely to cause disease. Therefore, this variant is classified as likely benign.

Illumina Laboratory Services, Illumina
Classification: Likely benign for Mucolipidosis type II. Last evaluated: 2017-04-27. Review status: criteria provided, single submitter. Criteria: ICSL Variant Classification Criteria 13 December 2019. Collection method: clinical testing. Allele origin: germline.
Comment: This variant was observed as part of a predisposition screen in an ostensibly healthy population. A literature search was performed for the gene, cDNA change, and amino acid change (where applicable). Publications were found based on this search. The evidence from the literature, in combination with allele frequency data from public databases where available, was sufficient to determine this variant is unlikely to cause disease. Therefore, this variant is classified as likely benign.

Breakthrough Genomics
Classification: Likely benign. Review status: criteria provided, single submitter. Criteria: ACMG Guidelines, 2015. Collection method: not provided. Allele origin: germline. Inheritance: Autosomal recessive inheritance. Affected: yes.

Mayo Clinic Laboratories, Mayo Clinic
Classification: Likely benign. Last evaluated: 2022-01-12. Review status: no assertion criteria provided. Collection method: clinical testing. Allele origin: unknown. Not counted in ClinVar's aggregate classification.
Comment: BS1, BP4

Natera, Inc.
Classification: Benign for Mucolipidosis type II. Last evaluated: 2020-01-11. Review status: no assertion criteria provided. Collection method: clinical testing. Allele origin: germline. Not counted in ClinVar's aggregate classification.

Clinical Genetics DNA and cytogenetics Diagnostics Lab, Erasmus MC, Erasmus Medical Center
Classification: Benign. Review status: no assertion criteria provided. Collection method: clinical testing. Allele origin: germline. Affected: yes. Study: VKGL Data-share Consensus. Not counted in ClinVar's aggregate classification.

Laboratory of Diagnostic Genome Analysis, Leiden University Medical Center (LUMC)
Classification: Likely benign. Review status: no assertion criteria provided. Collection method: clinical testing. Allele origin: germline. Affected: yes. Study: VKGL Data-share Consensus. Not counted in ClinVar's aggregate classification.

Literature cited by the submitters: PubMed 18190596 (cited by Illumina Laboratory Services, Illumina).